The following is an entry in ClinVar:

NM_005677.4(COLQ):c.444G>A (p.Trp148Ter)

Gene: COLQ (collagen like tail subunit of asymmetric acetylcholinesterase; minus strand). Cytogenetic location: 3p25.1.
Variant type: single nucleotide variant.
Coding change: c.444G>A on transcript NM_005677.4 (MANE Select); coding-DNA position 444, G replaced by A.
Protein change: p.Trp148Ter; replaces tryptophan 148 with a stop codon.
Molecular consequence: nonsense.
Genome position (GRCh38, 1-based): chr3:15,477,147, C>T on the plus strand (G>A on the coding strand, the complement: COLQ is on the minus strand). VCF-style: chr3-15477147-C-T. GRCh37 (hg19) VCF-style: chr3-15518654-C-T.
Other names: c.414G>A, p.Trp138Ter (NM_080538.2); c.342G>A, p.Trp114Ter (NM_080539.4); short protein forms W138*, W148*, W114*.
Identifiers: ClinVar variation 813939 (VCV000813939.5), dbSNP rs1369980189, ClinGen allele CA351599288.

ClinVar aggregate classification (germline): Pathogenic/Likely pathogenic. Review status: criteria provided, multiple submitters, no conflicts (2 of 4 stars). 3 submissions from 3 submitters: Pathogenic (2); Likely pathogenic (1). Last evaluated 2021-07-13.

Conditions:
Congenital myasthenic syndrome 5. Identifiers: Orphanet 590, MedGen C1864233, MONDO:0011281, OMIM 603034.

Allele frequency attached by ClinVar (database versions not stated): TOPMed below 0.00001.
gnomAD v4.1: 1 of 1,604,294 alleles (0.000062%); no homozygotes.

Submissions (3):

MGZ Medical Genetics Center
Classification: Pathogenic for Congenital myasthenic syndrome 5. Last evaluated: 2021-07-13. Review status: criteria provided, single submitter. Criteria: ACMG Guidelines, 2015. Collection method: clinical testing. Allele origin: germline. Affected: yes. Observed: 1 variant allele.
Comment: ACMG criteria applied: PVS1, PM3, PM2_SUP, PP4

Broad Center for Mendelian Genomics, Broad Institute of MIT and Harvard
Classification: Likely pathogenic for Congenital myasthenic syndrome 5. Last evaluated: 2018-12-03. Review status: criteria provided, single submitter. Criteria: ACMG Guidelines, 2015. Collection method: research. Allele origin: germline. Inheritance: Autosomal recessive inheritance. Affected: yes.
Comment: This variant was absent from large population studies. The p.Trp148Ter variant in COLQ has been reported in 10 unrelated individuals (including 9 Turkish, 1 unknown) with congenital myasthenic syndrome, nine of which were homozygous for the variant (PMID: 29395675, 22490774, 10665486). This nonsense variant leads to a premature termination codon at position 148, which is predicted to lead to a truncated or absent protein. At least two loss of function variants across multiple exons have been reported in association with congenital myasthenic syndrome in ClinVar. Loss of function of the COLQ gene is a moderately established disease mechanism in autosomal recessive congenital myasthenic syndrome. In vitro functional studies provide some evidence that the p.Trp148Ter variant may impact protein function by preventing assymmetric acetylcholine moiety formation (PMID: 10665486). However, these types of assays may not accurately represent biological function. In summary, although additional studies are required to fully establish its clinical significance, this variant is likely pathogenic. ACMG/AMP Criteria applied: PM2, PVS1_Moderate, PS3_Moderate (Richards 2015).

Juno Genomics, Hangzhou Juno Genomics, Inc
Classification: Pathogenic for Congenital myasthenic syndrome 5. Review status: criteria provided, single submitter. Criteria: ACMG Guidelines, 2015. Collection method: clinical testing. Allele origin: germline.
Comment: Absent from controls (or at extremely low frequency if recessive) in Genome Aggregation Database.;Null variant in a gene where loss of function (LOF) is a known mechanism of disease.;For recessive disorders, detected in trans with a pathogenic variant.;Patient's phenotype or family history is highly specific for a disease with a single genetic etiology.

Literature cited by the submitters: PubMed 29395675 (cited by Broad Center for Mendelian Genomics, Broad Institute of MIT and Harvard); PubMed 22490774 (cited by Broad Center for Mendelian Genomics, Broad Institute of MIT and Harvard); PubMed 10665486 (cited by Broad Center for Mendelian Genomics, Broad Institute of MIT and Harvard).